The following is an entry in ClinVar:

NM_001267550.2(TTN):c.8768T>C (p.Met2923Thr)

Gene: TTN (titin; minus strand). Cytogenetic location: 2q31.2.
Variant type: single nucleotide variant.
Coding change: c.8768T>C on transcript NM_001267550.2 (MANE Select); coding-DNA position 8768, T replaced by C.
Protein change: p.Met2923Thr; replaces methionine 2923 with threonine.
Molecular consequence: missense variant.
Genome position (GRCh38, 1-based): chr2:178,769,813, A>G on the plus strand (T>C on the coding strand, the complement: TTN is on the minus strand). VCF-style: chr2-178769813-A-G. GRCh37 (hg19) VCF-style: chr2-179634540-A-G.
Other names: c.8768T>C, p.Met2923Thr (NM_001256850.1, NM_133378.4, NM_133379.5); c.8630T>C, p.Met2877Thr (NM_003319.4, NM_133432.3, NM_133437.4); short protein forms M2877T, M2923T.
Identifiers: ClinVar variation 3375952 (VCV003375952.1).
Genomic context (GRCh38, chr2:178,769,813, plus strand): 5'-GTGTTCATGATGATCAGCTGATGGAGTTTTCCCTGCACAACTATCTTGAACTTTTCACTC[A>G]TCTCAATTTCCACACCATTCTTCAGCCACATGGAAGGGACATTGAAGTGGGACACCTCAC-3'
Protein context (NP_001254479.2, residues 2913-2933): MWLKNGVEIE[Met2923Thr]SEKFKIVVQG

ClinVar aggregate classification (germline): Uncertain significance (1 of 4 stars; one submission).

Submission:

GeneDx
Classification: Uncertain significance. Last evaluated: 2024-05-07. Review status: criteria provided, single submitter. Criteria: GeneDx Variant Classification Process June 2021. Collection method: clinical testing. Allele origin: germline. Affected: yes.
Comment: Not observed at significant frequency in large population cohorts (gnomAD); Missense variant in a gene in which most reported pathogenic variants are truncating/loss of function; Has not been previously published as pathogenic or benign to our knowledge